The following is an entry in ClinVar:

NC_000011.10:g.(?_66523446)_(66524211_?)del

Gene: BBS1 (Bardet-Biedl syndrome 1; plus strand). Cytogenetic location: 11q13.2.
Variant type: Deletion.
Identifiers: ClinVar variation 833034 (VCV000833034.1).

ClinVar aggregate classification (germline): Pathogenic (1 of 4 stars; one submission).

Conditions:
Bardet-Biedl syndrome (BBS). Identifiers: Orphanet 110, MedGen C0752166, MONDO:0015229.

Submission:

Labcorp Genetics (formerly Invitae), Labcorp
Classification: Pathogenic for Bardet-Biedl syndrome. Last evaluated: 2019-08-26. Review status: criteria provided, single submitter. Criteria: Invitae Variant Classification Sherloc (09022015). Collection method: clinical testing. Allele origin: germline.
Comment: This variant is an out-of-frame deletion of the genomic region encompassing exons 10-11 of the BBS1 gene. This is expected to create a premature translational stop signal and result in an absent or disrupted protein product. This variant has not been reported in the literature in individuals with BBS1-related conditions. Loss-of-function variants in BBS1 are known to be pathogenic (PMID: 12118255). For these reasons, this variant has been classified as Pathogenic.